The following is an entry in ClinVar:

NM_001127208.3(TET2):c.4618C>A (p.Gln1540Lys)

Genes: TET2 (tet methylcytosine dioxygenase 2; plus strand), TET2-AS1 (TET2 antisense RNA 1; minus strand). Cytogenetic location: 4q24.
Variant type: single nucleotide variant.
Coding change: c.4618C>A on transcript NM_001127208.3 (MANE Select); coding-DNA position 4618, C replaced by A.
Protein change: p.Gln1540Lys; replaces glutamine 1540 with lysine.
Molecular consequence: missense variant.
Genome position (GRCh38, 1-based): chr4:105,275,128, C>A. VCF-style: chr4-105275128-C-A. GRCh37 (hg19) VCF-style: chr4-106196285-C-A.
Other names: short protein forms Q1540K.
Identifiers: ClinVar variation 4774604 (VCV004774604.1).

ClinVar aggregate classification (germline): Uncertain significance (1 of 4 stars; one submission).

gnomAD v4.1: 1 of 1,551,512 alleles (0.000064%); highest among the groups gnomAD compares: Non-Finnish European, 0.000087%; no homozygotes.

Submission:

Labcorp Genetics (formerly Invitae), Labcorp
Classification: Uncertain significance. Last evaluated: 2025-06-25. Review status: criteria provided, single submitter. Criteria: Invitae Variant Classification Sherloc (09022015). Collection method: clinical testing. Allele origin: germline.
Comment: This sequence change replaces glutamine, which is neutral and polar, with lysine, which is basic and polar, at codon 1540 of the TET2 protein (p.Gln1540Lys). This variant is not present in population databases (gnomAD no frequency). This variant has not been reported in the literature in individuals affected with TET2-related conditions. An algorithm developed to predict the effect of missense changes on protein structure and function outputs the following: PolyPhen-2: "Benign". The lysine amino acid residue is found in multiple mammalian species, which suggests that this missense change does not adversely affect protein function. In summary, the available evidence is currently insufficient to determine the role of this variant in disease. Therefore, it has been classified as a Variant of Uncertain Significance.